The following is an entry in ClinVar:

NM_001377142.1(PLCB4):c.2335C>A (p.Leu779Met)

Gene: PLCB4 (phospholipase C beta 4; plus strand). Cytogenetic location: 20p12.2.
Variant type: single nucleotide variant.
Coding change: c.2335C>A on transcript NM_001377142.1 (MANE Select); coding-DNA position 2335, C replaced by A.
Protein change: p.Leu779Met; replaces leucine 779 with methionine.
Molecular consequence: missense variant.
Genome position (GRCh38, 1-based): chr20:9,423,763, C>A. VCF-style: chr20-9423763-C-A. GRCh37 (hg19) VCF-style: chr20-9404410-C-A.
Other names: c.2299C>A, p.Leu767Met (NM_000933.4, NM_001377134.2, NM_001377135.1 and 2 more transcripts); c.2335C>A, p.Leu779Met (NM_001172646.2, NM_001377143.1); short protein forms L767M, L779M.
Identifiers: ClinVar variation 4056737 (VCV004056737.1).

ClinVar aggregate classification (germline): Uncertain significance (1 of 4 stars; one submission).

Conditions:
Auriculocondylar syndrome 2 (ARCND2A). Also called: AURICULOCONDYLAR SYNDROME 2A. Identifiers: Orphanet 137888, MedGen C3553404, MONDO:0013845, OMIM 614669.

Submission:

Laboratorio de Genetica e Diagnostico Molecular, Hospital Israelita Albert Einstein
Classification: Uncertain significance for Auriculocondylar syndrome 2. Last evaluated: 2024-09-09. Review status: criteria provided, single submitter. Criteria: ACMG Guidelines, 2015. Collection method: clinical testing. Allele origin: germline. Affected: yes.
Comment: ACMG classification criteria: PM2 supporting, PP2 supporting